The following is an entry in ClinVar:

NM_177438.3(DICER1):c.4796_4800delinsT (p.Arg1599fs)

Gene: DICER1 (dicer 1, ribonuclease III; minus strand). Cytogenetic location: 14q32.13.
Variant type: Indel.
Coding change: c.4796_4800delinsT on transcript NM_177438.3 (MANE Select); coding-DNA positions 4796 to 4800, GGGAA replaced by T.
Protein change: p.Arg1599fs; shifts the reading frame from arginine 1599.
Molecular consequence: frameshift variant. On other transcripts: non-coding transcript variant (6).
Genome position (GRCh38, 1-based): chr14:95,096,120-95,096,124, TTCCC replaced by A on the plus strand (GGGAA replaced by T on the coding strand, the reverse complement: DICER1 is on the minus strand). VCF-style: chr14-95096120-TTCCC-A. GRCh37 (hg19) VCF-style: chr14-95562457-TTCCC-A.
Other names: c.4796_4800delinsT, p.Arg1599fs (NM_001195573.1, NM_001271282.3, NM_001291628.2 and 12 more transcripts); c.4796_4800delGGGAAinsT, p.Arg1599Leufs (NM_001395681.1); c.4514_4518delinsT, p.Arg1505fs (NM_001395686.1); c.4391_4395delinsT, p.Arg1464fs (NM_001395687.1, NM_001395688.1, NM_001395689.1 and 2 more transcripts); c.4229_4233delinsT, p.Arg1410fs (NM_001395691.1); c.3113_3117delinsT, p.Arg1038fs (NM_001395697.1); short protein forms R1038fs, R1410fs, R1464fs, R1505fs, R1599fs.
Identifiers: ClinVar variation 1743131 (VCV001743131.2), dbSNP rs2542485705, ClinGen allele CA2580088978.

ClinVar aggregate classification (germline): Pathogenic (1 of 4 stars; one submission).

Conditions:
Hereditary cancer-predisposing syndrome. Also called: Hereditary Cancer Syndrome; Neoplastic Syndromes, Hereditary; Tumor predisposition; Hereditary neoplastic syndrome. Identifiers: Orphanet 140162, MedGen C0027672, MeSH D009386, MONDO:0015356.

Submission:

Ambry Genetics
Classification: Pathogenic for Hereditary cancer-predisposing syndrome. Last evaluated: 2021-01-12. Review status: criteria provided, single submitter. Criteria: Ambry Variant Classification Scheme 2023. Collection method: clinical testing. Allele origin: germline.
Comment: The c.4796_4800delGGGAAinsT pathogenic mutation, located in coding exon 22 of the DICER1 gene, results from the deletion of 5 nucleotides and insertion of one nucleotide causing a translational frameshift with a predicted alternate stop codon (p.R1599Lfs*20). This alteration is expected to result in loss of function by premature protein truncation or nonsense-mediated mRNA decay. As such, this alteration is interpreted as a disease-causing mutation.